The following is an entry in ClinVar:

NM_001018005.2(TPM1):c.250G>A (p.Asp84Asn)

Gene: TPM1 (tropomyosin 1; plus strand). Cytogenetic location: 15q22.2.
Variant type: single nucleotide variant.
Coding change: c.250G>A on transcript NM_001018005.2 (MANE Select); coding-DNA position 250, G replaced by A.
Protein change: p.Asp84Asn; replaces aspartic acid 84 with asparagine.
Molecular consequence: missense variant.
Genome position (GRCh38, 1-based): chr15:63,056,994, G>A. VCF-style: chr15-63056994-G-A. GRCh37 (hg19) VCF-style: chr15-63349193-G-A.
Other names: c.250G>A, p.Asp84Asn (NM_000366.6, NM_001018004.2, NM_001018006.2 and 6 more transcripts); c.142G>A, p.Asp48Asn (NM_001018008.2, NM_001301289.2, NM_001330344.2 and 5 more transcripts); c.376G>A, p.Asp126Asn (NM_001365778.1); short protein forms D84N, D126N, D48N.
Identifiers: ClinVar variation 264474 (VCV000264474.17), dbSNP rs754664923, ClinGen allele CA028881.

ClinVar aggregate classification (germline): Likely pathogenic. Review status: criteria provided, multiple submitters, no conflicts (2 of 4 stars). 8 submissions from 8 submitters: Likely pathogenic (5). 3 of the submissions do not count toward it. Last evaluated 2025-12-12.

Conditions:
Hypertrophic cardiomyopathy. Also called: HYPERTROPHIC MYOCARDIOPATHY. Identifiers: Orphanet 217569, MedGen C0007194, MeSH D002312, MONDO:0005045, HP:0001639.
TPM1-related disorder. Also called: TPM1-related condition.
Cardiovascular phenotype. Identifiers: MedGen CN230736.
Dilated cardiomyopathy 1Y (CMD1Y). Identifiers: Orphanet 154, Orphanet 54260, MedGen C2678476, MONDO:0012744, OMIM 611878.

Allele frequency attached by ClinVar (database versions not stated): gnomAD exomes 0.00001 and below 0.00001; ExAC 0.00001.
gnomAD v4.1: 4 of 1,614,190 alleles (0.00025%); highest among the groups gnomAD compares: South Asian, 0.0022%; no homozygotes.

Submissions (8):

Center for Molecular Medicine, Children’s Hospital of Fudan University
Classification: Likely pathogenic for Dilated cardiomyopathy 1Y. Last evaluated: 2025-12-12. Review status: criteria provided, single submitter. Criteria: ACMG Guidelines 2015. Collection method: clinical testing. Allele origin: unknown. Affected: yes.
Comment: PS4+PM2_Supp+PP3

Labcorp Genetics (formerly Invitae), Labcorp
Classification: Likely pathogenic for Hypertrophic cardiomyopathy. Last evaluated: 2025-10-13. Review status: criteria provided, single submitter. Criteria: Invitae Variant Classification Sherloc (09022015). Collection method: clinical testing. Allele origin: germline.
Comment: This sequence change replaces aspartic acid, which is acidic and polar, with asparagine, which is neutral and polar, at codon 84 of the TPM1 protein (p.Asp84Asn). This variant is present in population databases (rs754664923, gnomAD 0.0009%). This missense change has been observed in individual(s) with dilated cardiomyopathy (PMID: 23147248, 29447731, 30847666, 36178741). It has also been observed to segregate with disease in related individuals. ClinVar contains an entry for this variant (Variation ID: 264474). An algorithm developed to predict the effect of missense changes on protein structure and function (PolyPhen-2) suggests that this variant is likely to be disruptive. Experimental studies have shown that this missense change affects TPM1 function (PMID: 23147248, 25241052, 25548289). In summary, the currently available evidence indicates that the variant is pathogenic, but additional data are needed to prove that conclusively. Therefore, this variant has been classified as Likely Pathogenic.

Ambry Genetics
Classification: Likely pathogenic for Cardiovascular phenotype. Last evaluated: 2025-05-30. Review status: criteria provided, single submitter. Criteria: Ambry Variant Classification Scheme 2023. Collection method: clinical testing. Allele origin: germline.
Comment: The p.D84N variant (also known as c.250G>A), located in coding exon 3 of the TPM1 gene, results from a G to A substitution at nucleotide position 250. The aspartic acid at codon 84 is replaced by asparagine, an amino acid with highly similar properties. In one family, this variant was observed to co-segregate with dilated cardiomyopathy (DCM) (van de Meerakker JB et al. Biochim Biophys Acta. 2013;1833(4):833-9). This variant has also been reported in association with cardiomyopathy and has been detected in a cardiomyopathy/arrhythmia genetic testing cohort; however, clinical details were limited, and additional cardiac variants were detected in some cases (van Waning JI et al. J Am Coll Cardiol, 2018 Feb;71:711-722; van Lint FHM et al. Neth Heart J, 2019 Jun;27:304-309). In vitro functional analysis indicates this variant would interfere with the electrostatic interaction between tropomyosin and the actin molecule in the presence of Ca2+ resulting in weakened binding capacity. Similar findings were observed in other in vitro functional studies in which disturbance of the electrostatic interaction would lead to decreased Ca2+ sensitivity and therefore a hypotonic response and reduced cardiac contractile function (Orzechowski M et al. Arch Biochem Biophys. 2014;564:89-99; Gupte TM et al. J Biol Chem. 2015;290(11):7003-15). This amino acid position is well conserved in available vertebrate species. In addition, the in silico prediction for this alteration is inconclusive. This variant is considered to be rare based on population cohorts in the Genome Aggregation Database (gnomAD). Based on the majority of available evidence to date, this variant is likely to be pathogenic.

Neuberg Centre For Genomic Medicine, NCGM
Classification: Likely pathogenic for Dilated cardiomyopathy 1Y. Last evaluated: 2023-06-22. Review status: criteria provided, single submitter. Criteria: ACMG Guidelines, 2015. Collection method: clinical testing. Allele origin: germline. Inheritance: Autosomal dominant inheritance. Affected: yes.
Comment: The observed missense c.250G>A(p.Asp84Asn) variant in TPM1 gene has been reported previously in heterozygous state in individual(s) affected with Dilated cardiomyopathy (DCM) type 1Y (Man et al., 2022). Experimental studies have shown that this missense change affects TPM1 function (Gupte et al., 2015). This variant is reported with the allele frequency of 0.0004% in the gnomAD Exomes. This variant has been reported to the ClinVar database as Pathogenic / Likely Pathogenic (multiple submissions). The amino acid Asp at position 84 is changed to a Asn changing protein sequence and it might alter its composition and physico-chemical properties. The amino acid change p.Asp84Asn in TPM1 is predicted as conserved by GERP++ and PhyloP across 100 vertebrates. Multiple lines of computational evidence (Polyphen - Damaging/Benign, SIFT - Damaging, and MutationTaster - Disease causing) predict a damaging effect on protein structure and function for this variant. For these reasons, this variant has been classified as Likely Pathogenic.

Blueprint Genetics
Classification: Likely pathogenic for TPM1-related disorders. Last evaluated: 2023-06-21. Review status: criteria provided, single submitter. Criteria: ACMG Guidelines, 2015. Collection method: clinical testing. Allele origin: germline. Affected: yes. Observed: 1 variant allele.

Clinical Genetics DNA and cytogenetics Diagnostics Lab, Erasmus MC, Erasmus Medical Center
Classification: Likely pathogenic. Review status: no assertion criteria provided. Collection method: clinical testing. Allele origin: germline. Affected: yes. Study: VKGL Data-share Consensus. Not counted in ClinVar's aggregate classification.

Clinical Genetics, Academic Medical Center
Classification: Pathogenic. Review status: no assertion criteria provided. Collection method: clinical testing. Allele origin: germline. Affected: yes. Study: VKGL Data-share Consensus. Not counted in ClinVar's aggregate classification.

Joint Genome Diagnostic Labs from Nijmegen and Maastricht, Radboudumc and MUMC+
Classification: Likely pathogenic. Review status: no assertion criteria provided. Collection method: clinical testing. Allele origin: germline. Affected: yes. Study: VKGL Data-share Consensus. Not counted in ClinVar's aggregate classification.

Literature cited by the submitters: PubMed 23147248 (cited by Labcorp Genetics (formerly Invitae), Labcorp); PubMed 29447731 (cited by Labcorp Genetics (formerly Invitae), Labcorp and Ambry Genetics); PubMed 30847666 (cited by Labcorp Genetics (formerly Invitae), Labcorp and Ambry Genetics); PubMed 36178741 (cited by Labcorp Genetics (formerly Invitae), Labcorp); PubMed 25241052 (cited by Labcorp Genetics (formerly Invitae), Labcorp); PubMed 25548289 (cited by Labcorp Genetics (formerly Invitae), Labcorp).